The following is an entry in ClinVar:

NM_000059.4(BRCA2):c.6224_6225del (p.Lys2075fs)

Gene: BRCA2 (BRCA2 DNA repair associated; plus strand). Cytogenetic location: 13q13.1.
Variant type: Deletion.
Coding change: c.6224_6225del on transcript NM_000059.4 (MANE Select); coding-DNA positions 6224 to 6225, 2 bases deleted (AA; older notation c.6224_6225delAA).
Protein change: p.Lys2075fs; shifts the reading frame from lysine 2075.
Molecular consequence: frameshift variant.
Genome position (GRCh38, 1-based): chr13:32,340,579-32,340,580, AA deleted; deleting any 2 consecutive bases within chr13:32,340,578-32,340,580 gives the same sequence; the c. name uses the placement nearest the transcript's 3' end. VCF-style (leftmost placement, unchanged base first): chr13-32340577-CAA-C. GRCh37 (hg19) VCF-style: chr13-32914714-CAA-C.
Other names: c.6224_6225del (NM_000059.3); short protein forms K2075fs.
Identifiers: ClinVar variation 2088779 (VCV002088779.7), dbSNP rs886040641, ClinGen allele CA2499222225.

ClinVar aggregate classification (germline): Pathogenic/Likely pathogenic. Review status: criteria provided, multiple submitters, no conflicts (2 of 4 stars). 4 submissions from 4 submitters: Pathogenic (3); Likely pathogenic (1). Last evaluated 2025-08-04.

Conditions:
Familial cancer of breast. Also called: hereditary breast carcinoma; Hereditary breast cancer; BREAST CANCER, FAMILIAL. Identifiers: Orphanet 227535, MedGen C0346153, MONDO:0016419, OMIM 114480. Disease mechanism: loss of function.
Breast-ovarian cancer, familial, susceptibility to, 2 (BROVCA2). Also called: BRCA2 Hereditary Breast and Ovarian Cancer. Identifiers: Orphanet 145, MedGen C2675520, MONDO:0012933, OMIM 612555. Disease mechanism: loss of function.
Hereditary breast ovarian cancer syndrome. Also called: Hereditary breast and ovarian cancer syndrome (HBOC); Hereditary breast and ovarian cancer; Hereditary breast and ovarian cancer syndrome; Breast and ovarian cancer; Hereditary breast and/or ovarian cancer syndrome; BRCA1- and BRCA2-Associated Hereditary Breast and Ovarian Cancer. Identifiers: Orphanet 145, MedGen C0677776, MeSH D061325, MONDO:0003582. Disease mechanism: loss of function.

Submissions (4):

KCCC/NGS Laboratory, Kuwait Cancer Control Center
Classification: Pathogenic for Breast-ovarian cancer, familial, susceptibility to, 2. Last evaluated: 2025-08-04. Review status: criteria provided, single submitter. Criteria: ACMG Guidelines, 2015. Collection method: clinical testing. Allele origin: germline. Inheritance: Autosomal dominant inheritance. Affected: yes. Observed: 1 heterozygote.
Comment: This sequence change creates a premature translational stop signal (p.Lys2075Serfs*2) in the BRCA2 gene. It is expected to result in an absent or disrupted protein product.

Revvity Omics, Revvity
Classification: Likely pathogenic. Last evaluated: 2025-04-16. Review status: criteria provided, single submitter. Criteria: ACMG Guidelines, 2015. Collection method: clinical testing. Allele origin: germline.

Labcorp Genetics (formerly Invitae), Labcorp
Classification: Pathogenic for Hereditary breast ovarian cancer syndrome. Last evaluated: 2023-07-26. Review status: criteria provided, single submitter. Criteria: Invitae Variant Classification Sherloc (09022015). Collection method: clinical testing. Allele origin: germline.
Comment: ClinVar contains an entry for this variant (Variation ID: 2088779). For these reasons, this variant has been classified as Pathogenic. This premature translational stop signal has been observed in individual(s) with ovarian cancer (PMID: 33067490). This variant is not present in population databases (gnomAD no frequency). This sequence change creates a premature translational stop signal (p.Lys2075Serfs*2) in the BRCA2 gene. It is expected to result in an absent or disrupted protein product. Loss-of-function variants in BRCA2 are known to be pathogenic (PMID: 20104584).

Baylor Genetics
Classification: Pathogenic for Familial cancer of breast. Last evaluated: 2021-12-16. Review status: criteria provided, single submitter. Criteria: ACMG Guidelines, 2015. Collection method: clinical testing. Allele origin: unknown.

Literature cited by the submitters: PubMed 33067490 (cited by Labcorp Genetics (formerly Invitae), Labcorp); PubMed 20104584 (cited by Labcorp Genetics (formerly Invitae), Labcorp).